The following is an entry in ClinVar:

NM_000419.5(ITGA2B):c.998+10G>C

Gene: ITGA2B (integrin subunit alpha 2b; minus strand). Cytogenetic location: 17q21.31.
Variant type: single nucleotide variant.
Coding change: c.998+10G>C on transcript NM_000419.5 (MANE Select); 10 bases into the intron after coding-DNA position 998, G replaced by C.
Molecular consequence: intron variant.
Genome position (GRCh38, 1-based): chr17:44,383,884, C>G on the plus strand (G>C on the coding strand, the complement: ITGA2B is on the minus strand). VCF-style: chr17-44383884-C-G. GRCh37 (hg19) VCF-style: chr17-42461252-C-G.
Identifiers: ClinVar variation 4993289 (VCV004993289.1).

ClinVar aggregate classification (germline): Likely benign (1 of 4 stars; one submission).

Conditions:
ITGA2B-related disorder. Also called: ITGA2B-related disorders; ITGA2B-related condition.

gnomAD v4.1: 5 of 1,613,234 alleles (0.00031%); highest among the groups gnomAD compares: Admixed American, 0.005%; no homozygotes.

Submission:

PreventionGenetics, part of Exact Sciences
Classification: Likely benign for ITGA2B-related condition. Last evaluated: 2026-06-05. Review status: criteria provided, single submitter. Criteria: ACMG Guidelines, 2015. Collection method: clinical testing. Allele origin: germline.
Comment: This variant is classified as likely benign based on ACMG/AMP sequence variant interpretation guidelines (Richards et al. 2015 PMID: 25741868, with internal and published modifications).